The following is an entry in ClinVar:

ClinVar aggregate classification (germline): Likely benign (0 of 4 stars; one submission).

Conditions:
TSGA10-related disorder. Also called: TSGA10-related condition.

Allele frequency attached by ClinVar (database versions not stated): gnomAD 0.00001; ExAC 0.00002.
gnomAD v4.1: 10 of 1,572,736 alleles (0.00064%); highest among the groups gnomAD compares: Admixed American, 0.0062%; no homozygotes.

Submission:

PreventionGenetics, part of Exact Sciences
Classification: Likely benign for TSGA10-related condition. Last evaluated: 2019-03-06. Review status: no assertion criteria provided. Collection method: clinical testing. Allele origin: germline.
Comment: This variant is classified as likely benign based on ACMG/AMP sequence variant interpretation guidelines (Richards et al. 2015 PMID: 25741868, with internal and published modifications).

NM_025244.4(TSGA10):c.195C>T (p.Phe65=)

Gene: TSGA10 (testis specific 10; minus strand). Cytogenetic location: 2q11.2.
Variant type: single nucleotide variant.
Coding change: c.195C>T on transcript NM_025244.4 (MANE Select); coding-DNA position 195, C replaced by T.
Protein change: p.Phe65=; no amino-acid change (phenylalanine 65 retained).
Molecular consequence: synonymous variant. On other transcripts: non-coding transcript variant (1).
Genome position (GRCh38, 1-based): chr2:99,108,848, G>A on the plus strand (C>T on the coding strand, the complement: TSGA10 is on the minus strand). VCF-style: chr2-99108848-G-A. GRCh37 (hg19) VCF-style: chr2-99725311-G-A.
Other names: c.195C>T, p.Phe65= (NM_001349012.1, NM_001349013.2, NM_001349014.1 and 1 more transcripts).
Identifiers: ClinVar variation 3035007 (VCV003035007.2), dbSNP rs771678959, ClinGen allele CA1797068.